The following is an entry in ClinVar:

NM_017617.5(NOTCH1):c.4664A>C (p.Glu1555Ala)

Gene: NOTCH1 (notch receptor 1; minus strand). Cytogenetic location: 9q34.3.
Variant type: single nucleotide variant.
Coding change: c.4664A>C on transcript NM_017617.5 (MANE Select); coding-DNA position 4664, A replaced by C.
Protein change: p.Glu1555Ala; replaces glutamic acid 1555 with alanine.
Molecular consequence: missense variant.
Genome position (GRCh38, 1-based): chr9:136,505,027, T>G on the plus strand (A>C on the coding strand, the complement: NOTCH1 is on the minus strand). VCF-style: chr9-136505027-T-G. GRCh37 (hg19) VCF-style: chr9-139399479-T-G.
Other names: short protein forms E1555A.
Identifiers: ClinVar variation 1396319 (VCV001396319.6), dbSNP rs781602537, ClinGen allele CA375645681.

ClinVar aggregate classification (germline): Uncertain significance (1 of 4 stars; one submission).

Conditions:
Adams-Oliver syndrome 5 (AOS5). Identifiers: Orphanet 974, MedGen C4014970, MONDO:0014459, OMIM 616028.

Submission:

Labcorp Genetics (formerly Invitae), Labcorp
Classification: Uncertain significance for Adams-Oliver syndrome 5. Last evaluated: 2021-12-03. Review status: criteria provided, single submitter. Criteria: Invitae Variant Classification Sherloc (09022015). Collection method: clinical testing. Allele origin: germline.
Comment: In summary, the available evidence is currently insufficient to determine the role of this variant in disease. Therefore, it has been classified as a Variant of Uncertain Significance. Advanced modeling of protein sequence and biophysical properties (such as structural, functional, and spatial information, amino acid conservation, physicochemical variation, residue mobility, and thermodynamic stability) performed at Invitae indicates that this missense variant is not expected to disrupt NOTCH1 protein function. This variant has not been reported in the literature in individuals affected with NOTCH1-related conditions. This variant is not present in population databases (gnomAD no frequency). This sequence change replaces glutamic acid, which is acidic and polar, with alanine, which is neutral and non-polar, at codon 1555 of the NOTCH1 protein (p.Glu1555Ala).